The following is an entry in ClinVar:

NR_003051.4(RMRP):n.191A>G

Gene: RMRP (RNA component of mitochondrial RNA processing endoribonuclease; minus strand). Cytogenetic location: 9p13.3.
Variant type: single nucleotide variant.
Molecular consequence: non-coding transcript variant (on NR_003051.4).
Genome position: GRCh38 VCF-style: chr9-35657829-T-C. GRCh37 (hg19) VCF-style: chr9-35657826-T-C.
Identifiers: ClinVar variation 3720281 (VCV003720281.1).
Genomic context (GRCh38, chr9:35,657,829, plus strand): 5'-AGCCCCGTGTGGTTGGTGCGCGGACACGCACTGCCTGCGTAACTAGAGGGAGCTGACGGA[T>C]GACGCCCCCGCGCCACGCCGCTCAGCGGGATACGCTTCTTGGCGGACTTTGGAGTGGGAA-3'

ClinVar aggregate classification (germline): Uncertain significance (1 of 4 stars; one submission).

Conditions:
Anauxetic dysplasia. Identifiers: Orphanet 93347, MedGen C1846796, MONDO:0011773.

gnomAD v4.1: 7 of 693,026 alleles (0.001%); highest among the groups gnomAD compares: Middle Eastern, 0.11%; 1 homozygote.

Submission:

Labcorp Genetics (formerly Invitae), Labcorp
Classification: Uncertain significance for Anauxetic dysplasia. Last evaluated: 2024-09-14. Review status: criteria provided, single submitter. Criteria: Invitae Variant Classification Sherloc (09022015). Collection method: clinical testing. Allele origin: germline.
Comment: This variant occurs in the RMRP gene, which encodes an RNA molecule that does not result in a protein product. This variant is not present in population databases (gnomAD no frequency). This variant has not been reported in the literature in individuals affected with RMRP-related conditions. In summary, the available evidence is currently insufficient to determine the role of this variant in disease. Therefore, it has been classified as a Variant of Uncertain Significance.